The following is an entry in ClinVar:

ClinVar aggregate classification (germline): Conflicting classifications of pathogenicity. Review status: criteria provided, conflicting classifications (1 of 4 stars). 3 submissions from 3 submitters: Uncertain significance (2); Likely benign (1). Last evaluated 2025-04-20.

Conditions:
RYR1-related disorder. Also called: RYR1-related disorders; RYR1-related condition. Identifiers: MedGen CN239331.
Malignant hyperthermia, susceptibility to, 1 (MHS1). Also called: Anesthesia related hyperthermia; Malignant hyperpyrexia; Fulminating hyperpyrexia; Pharmacogenic myopathy; Malignant hyperthermia suceptibility 1; RYR1-Related Malignant Hyperthermia Susceptibility. Identifiers: Orphanet 423, MedGen C2930980, MONDO:0007783, OMIM 145600.

Allele frequency attached by ClinVar (database versions not stated): gnomAD exomes below 0.00001.
gnomAD v4.1: 4 of 1,614,098 alleles (0.00025%); highest among the groups gnomAD compares: Non-Finnish European, 0.00034%; no homozygotes.

Submissions (3):

Labcorp Genetics (formerly Invitae), Labcorp
Classification: Likely benign for RYR1-related disorder. Last evaluated: 2025-04-20. Review status: criteria provided, single submitter. Criteria: Invitae Variant Classification Sherloc (09022015). Collection method: clinical testing. Allele origin: germline.

All of Us Research Program, National Institutes of Health
Classification: Uncertain significance for Malignant hyperthermia, susceptibility to, 1. Last evaluated: 2023-06-26. Review status: criteria provided, single submitter. Criteria: ACMG Guidelines, 2015. Collection method: clinical testing. Allele origin: germline. Inheritance: Autosomal dominant inheritance. Observed: 1 variant allele, 1 heterozygote.
Comment: This variant is located in the RYR1 protein. To our knowledge, functional studies have not been reported for this variant. This variant has not been reported in individuals affected with RYR1-related disorders in the literature. This variant has not been identified in the general population by the Genome Aggregation Database (gnomAD). The available evidence is insufficient to determine the role of this variant in disease conclusively. Therefore, this variant is classified as a Variant of Uncertain Significance.

This study involves interpretation of variants in research participants for the purpose of population health screening. Participant phenotype was not available at the time of variant classification. Additional details can be found in publication PMID: 35346344, PMCID: PMC8962531

Revvity Omics, Revvity
Classification: Uncertain significance. Last evaluated: 2020-10-19. Review status: criteria provided, single submitter. Criteria: ACMG Guidelines, 2015. Collection method: clinical testing. Allele origin: germline.

NM_000540.3(RYR1):c.10740G>A (p.Pro3580=)

Gene: RYR1 (ryanodine receptor 1; plus strand). Cytogenetic location: 19q13.2.
Variant type: single nucleotide variant.
Coding change: c.10740G>A on transcript NM_000540.3 (MANE Select); coding-DNA position 10740, G replaced by A.
Protein change: p.Pro3580=; no amino-acid change (proline 3580 retained).
Molecular consequence: synonymous variant.
Genome position (GRCh38, 1-based): chr19:38,527,700, G>A. VCF-style: chr19-38527700-G-A. GRCh37 (hg19) VCF-style: chr19-39018340-G-A.
Other names: c.10725G>A, p.Pro3575= (NM_001042723.2).
Identifiers: ClinVar variation 2435505 (VCV002435505.7), dbSNP rs2514489025, ClinGen allele CA507237579.
Genomic context (GRCh38, chr19:38,527,700, plus strand): 5'-CCTTCAGGTCGAAGGCTCCCCGTCTCTGCGCTGGCAGATGGCTCTGTACCGGGGCGTCCC[G>A]GGTCGCGAGGAGGACGCCGATGACCCCGAGAAAATCGTGCGCAGAGTCCAGGAAGTGTCA-3'
Protein context (NP_000531.2, residues 3570-3590): RWQMALYRGV[Pro3580=]GREEDADDPE